The following is an entry in ClinVar:

NM_014008.5(CCDC22):c.1610C>T (p.Ala537Val)

Gene: CCDC22 (coiled-coil domain containing 22; plus strand). Cytogenetic location: Xp11.23.
Variant type: single nucleotide variant.
Coding change: c.1610C>T on transcript NM_014008.5 (MANE Select); coding-DNA position 1610, C replaced by T.
Protein change: p.Ala537Val; replaces alanine 537 with valine.
Molecular consequence: missense variant.
Genome position (GRCh38, 1-based): chrX:49,249,237, C>T. VCF-style: chrX-49249237-C-T. GRCh37 (hg19) VCF-style: chrX-49105698-C-T.
Other names: short protein forms A537V.
Identifiers: ClinVar variation 1031226 (VCV001031226.1), dbSNP rs782683625, ClinGen allele CA10411551.
Genomic context (GRCh38, chrX:49,249,237, plus strand): 5'-ATACGAAGGAGCTTCAGAAGGAAATCAACTCCCTATCTGGGAAGCTGGACCGGACGTTTG[C>T]GGTGACTGATGAGCTTGTGTTCAAGGTGTGGGGCAGGTTGGGCGGGGGTGAGTGGGGTGA-3'
Protein context (NP_054727.1, residues 527-547): SLSGKLDRTF[Ala537Val]VTDELVFKDA

ClinVar aggregate classification (germline): Uncertain significance (1 of 4 stars; one submission).

Conditions:
Ritscher-Schinzel syndrome 2. Identifiers: Orphanet 7, MedGen C4225419, MONDO:0010499, OMIM 300963.

Allele frequency attached by ClinVar (database versions not stated): ExAC 0.00001; gnomAD exomes 0.00001; gnomAD 0.00002.

Submission:

Baylor Genetics
Classification: Uncertain significance for Ritscher-Schinzel syndrome 2. Last evaluated: 2020-06-09. Review status: criteria provided, single submitter. Criteria: ACMG Guidelines, 2015. Collection method: clinical testing. Allele origin: unknown. Affected: yes.
Comment: This variant was determined to be of uncertain significance according to ACMG Guidelines, 2015 [PMID:25741868].